The following is an entry in ClinVar:

NM_173660.5(DOK7):c.983A>G (p.Gln328Arg)

Gene: DOK7 (docking protein 7; plus strand). Cytogenetic location: 4p16.3.
Variant type: single nucleotide variant.
Coding change: c.983A>G on transcript NM_173660.5 (MANE Select); coding-DNA position 983, A replaced by G.
Protein change: p.Gln328Arg; replaces glutamine 328 with arginine.
Molecular consequence: missense variant. On other transcripts: 3 prime UTR variant (1).
Genome position (GRCh38, 1-based): chr4:3,492,969, A>G. VCF-style: chr4-3492969-A-G. GRCh37 (hg19) VCF-style: chr4-3494696-A-G.
Other names: c.*204A>G (NM_001164673.2); c.53A>G, p.Gln18Arg (NM_001256896.2); c.983A>G, p.Gln328Arg (NM_001301071.2); c.551A>G, p.Gln184Arg (NM_001363811.2); short protein forms Q328R, Q18R, Q184R.
Identifiers: ClinVar variation 571993 (VCV000571993.4), dbSNP rs752168445, ClinGen allele CA2829317.
Genomic context (GRCh38, chr4:3,492,969, plus strand): 5'-GGGAAGCCATGGTGGGTGCCTCAAGGCCACCCCCCAAGCCGCTGCGTCCGCGGCAGCTGC[A>G]GGAGGTTGGCCGCCAGAGCTCCTCGGACAGCGGCATCGCCACTGGCAGCCACTCCTCTTA-3'
Protein context (NP_775931.3, residues 318-338): PPKPLRPRQL[Gln328Arg]EVGRQSSSDS

ClinVar aggregate classification (germline): Uncertain significance (1 of 4 stars; one submission).

Conditions:
Fetal akinesia deformation sequence 1 (FADS1). Also called: Fetal akinesia sequence; Pena-Shokeir syndrome type I. Identifiers: Orphanet 994, MedGen C1276035, MONDO:0100101, OMIM 208150, HP:0001989.
Congenital myasthenic syndrome 10. Also called: Myasthenia, limb-girdle, familial. Identifiers: Orphanet 590, MedGen C1850792, MONDO:0009690, OMIM 254300.

Allele frequency attached by ClinVar (database versions not stated): ExAC below 0.00001.
gnomAD v4.1: 6 of 1,553,524 alleles (0.00039%); highest among the groups gnomAD compares: East Asian, 0.0024%; no homozygotes.

Submission:

Labcorp Genetics (formerly Invitae), Labcorp
Classification: Uncertain significance for Congenital myasthenic syndrome 10; Fetal akinesia deformation sequence 1. Last evaluated: 2022-10-03. Review status: criteria provided, single submitter. Criteria: Invitae Variant Classification Sherloc (09022015). Collection method: clinical testing. Allele origin: germline.
Comment: This sequence change replaces glutamine, which is neutral and polar, with arginine, which is basic and polar, at codon 328 of the DOK7 protein (p.Gln328Arg). This variant is not present in population databases (gnomAD no frequency). This variant has not been reported in the literature in individuals affected with DOK7-related conditions. ClinVar contains an entry for this variant (Variation ID: 571993). Algorithms developed to predict the effect of missense changes on protein structure and function are either unavailable or do not agree on the potential impact of this missense change (SIFT: "Deleterious"; PolyPhen-2: "Probably Damaging"; Align-GVGD: "Class C0"). In summary, the available evidence is currently insufficient to determine the role of this variant in disease. Therefore, it has been classified as a Variant of Uncertain Significance.